The following is an entry in ClinVar:

ClinVar aggregate classification (germline): Uncertain significance. Review status: criteria provided, multiple submitters, no conflicts (2 of 4 stars). 2 submissions from 2 submitters: Uncertain significance (2). Last evaluated 2025-06-02.

Conditions:
Ataxia-telangiectasia syndrome (AT). Also called: ATAXIA-TELANGIECTASIA, COMPLEMENTATION GROUP A; ATAXIA-TELANGIECTASIA, FRESNO VARIANT; LOUIS-BAR SYNDROME; Ataxia telangiectasia (A-T); Cerebello-oculocutaneous telangiectasia; Immunodeficiency with ataxia telangiectasia. Identifiers: Orphanet 100, MedGen C0004135, MONDO:0008840, OMIM 208900.
Hereditary cancer-predisposing syndrome. Also called: Tumor predisposition; Neoplastic Syndromes, Hereditary; Hereditary Cancer Syndrome; Hereditary neoplastic syndrome. Identifiers: Orphanet 140162, MedGen C0027672, MeSH D009386, MONDO:0015356.

Submissions (2):

Labcorp Genetics (formerly Invitae), Labcorp
Classification: Uncertain significance for Ataxia-telangiectasia syndrome. Last evaluated: 2025-06-02. Review status: criteria provided, single submitter. Criteria: Invitae Variant Classification Sherloc (09022015). Collection method: clinical testing. Allele origin: germline.
Comment: This sequence change replaces threonine, which is neutral and polar, with alanine, which is neutral and non-polar, at codon 989 of the ATM protein (p.Thr989Ala). This variant is not present in population databases (gnomAD no frequency). This variant has not been reported in the literature in individuals affected with ATM-related conditions. ClinVar contains an entry for this variant (Variation ID: 628316). Invitae Evidence Modeling of protein sequence and biophysical properties (such as structural, functional, and spatial information, amino acid conservation, physicochemical variation, residue mobility, and thermodynamic stability) indicates that this missense variant is not expected to disrupt ATM protein function with a negative predictive value of 95%. In summary, the available evidence is currently insufficient to determine the role of this variant in disease. Therefore, it has been classified as a Variant of Uncertain Significance.

Color Diagnostics, LLC DBA Color Health
Classification: Uncertain significance for Hereditary cancer-predisposing syndrome. Last evaluated: 2023-12-05. Review status: criteria provided, single submitter. Criteria: ACMG Guidelines, 2015. Collection method: clinical testing. Allele origin: germline.
Comment: This missense variant replaces threonine with alanine at codon 989 of the ATM protein. Computational prediction suggests that this variant may not impact protein structure and function (internally defined REVEL score threshold <= 0.5, PMID: 27666373). To our knowledge, functional studies have not been reported for this variant. This variant has not been reported in individuals affected with ATM-related disorders in the literature. This variant has not been identified in the general population by the Genome Aggregation Database (gnomAD). The available evidence is insufficient to determine the role of this variant in disease conclusively. Therefore, this variant is classified as a Variant of Uncertain Significance.

NM_000051.4(ATM):c.2965A>G (p.Thr989Ala)

Gene: ATM (ATM serine/threonine kinase; plus strand). Cytogenetic location: 11q22.3.
Variant type: single nucleotide variant.
Coding change: c.2965A>G on transcript NM_000051.4 (MANE Select); coding-DNA position 2965, A replaced by G.
Protein change: p.Thr989Ala; replaces threonine 989 with alanine.
Molecular consequence: missense variant.
Genome position (GRCh38, 1-based): chr11:108,271,294, A>G. VCF-style: chr11-108271294-A-G. GRCh37 (hg19) VCF-style: chr11-108142021-A-G.
Other names: c.2965A>G, p.Thr989Ala (NM_001351834.2); short protein forms T989A.
Identifiers: ClinVar variation 628316 (VCV000628316.13), dbSNP rs1565425329, ClinGen allele CA382547244.